The following is an entry in ClinVar:

ClinVar aggregate classification (germline): Uncertain significance (1 of 4 stars; one submission).

Allele frequency attached by ClinVar (database versions not stated): gnomAD exomes below 0.00001; TOPMed below 0.00001.
gnomAD v4.1: 1 of 1,602,332 alleles (0.000062%); highest among the groups gnomAD compares: African/African-American, 0.0013%; no homozygotes.

Submission:

Labcorp Genetics (formerly Invitae), Labcorp
Classification: Uncertain significance. Last evaluated: 2022-04-19. Review status: criteria provided, single submitter. Criteria: Invitae Variant Classification Sherloc (09022015). Collection method: clinical testing. Allele origin: germline.
Comment: This variant is not present in population databases (gnomAD no frequency). In summary, the available evidence is currently insufficient to determine the role of this variant in disease. Therefore, it has been classified as a Variant of Uncertain Significance. Algorithms developed to predict the effect of missense changes on protein structure and function are either unavailable or do not agree on the potential impact of this missense change (SIFT: "Deleterious"; PolyPhen-2: "Possibly Damaging"; Align-GVGD: "Class C0"). This variant has not been reported in the literature in individuals affected with CAPN5-related conditions. This sequence change replaces histidine, which is basic and polar, with arginine, which is basic and polar, at codon 380 of the CAPN5 protein (p.His380Arg).

NM_004055.5(CAPN5):c.1139A>G (p.His380Arg)

Gene: CAPN5 (calpain 5; plus strand). Cytogenetic location: 11q13.5.
Variant type: single nucleotide variant.
Coding change: c.1139A>G on transcript NM_004055.5 (MANE Select); coding-DNA position 1139, A replaced by G.
Protein change: p.His380Arg; replaces histidine 380 with arginine.
Molecular consequence: missense variant.
Genome position (GRCh38, 1-based): chr11:77,118,324, A>G. VCF-style: chr11-77118324-A-G. GRCh37 (hg19) VCF-style: chr11-76829370-A-G.
Other names: short protein forms H380R.
Identifiers: ClinVar variation 2098308 (VCV002098308.4), dbSNP rs1950488950, ClinGen allele CA381941831.